The following is an entry in ClinVar:

NM_013444.4(UBQLN2):c.433T>C (p.Leu145=)

Gene: UBQLN2 (ubiquilin 2; plus strand). Cytogenetic location: Xp11.21.
Variant type: single nucleotide variant.
Coding change: c.433T>C on transcript NM_013444.4 (MANE Select); coding-DNA position 433, T replaced by C.
Protein change: p.Leu145=; no amino-acid change (leucine 145 retained).
Molecular consequence: synonymous variant.
Genome position (GRCh38, 1-based): chrX:56,564,306, T>C. VCF-style: chrX-56564306-T-C. GRCh37 (hg19) VCF-style: chrX-56590739-T-C.
Identifiers: ClinVar variation 3632524 (VCV003632524.2).
Genomic context (GRCh38, chrX:56,564,306, plus strand): 5'-TCGGCGTCGACTCCCAGGAGTAACTCCACACCTATTTCCACAAATAGCAACCCGTTTGGG[T>C]TGGGGAGCCTGGGAGGACTTGCAGGCCTTAGCAGCCTGGGCTTGAGCTCGACCAACTTCT-3'
Protein context (NP_038472.2, residues 135-155): PISTNSNPFG[Leu145=]GSLGGLAGLS

ClinVar aggregate classification (germline): Uncertain significance (1 of 4 stars; one submission).

Conditions:
Amyotrophic lateral sclerosis type 15. Also called: AMYOTROPHIC LATERAL SCLEROSIS 15 WITH FRONTOTEMPORAL DEMENTIA. Identifiers: Orphanet 803, MedGen C3275459, MONDO:0010459, OMIM 300857.

Submission:

Labcorp Genetics (formerly Invitae), Labcorp
Classification: Uncertain significance for Amyotrophic lateral sclerosis type 15. Last evaluated: 2024-11-11. Review status: criteria provided, single submitter. Criteria: Invitae Variant Classification Sherloc (09022015). Collection method: clinical testing. Allele origin: germline.
Comment: This sequence change affects codon 145 of the UBQLN2 mRNA. It is a 'silent' change, meaning that it does not change the encoded amino acid sequence of the UBQLN2 protein. This variant is not present in population databases (gnomAD no frequency). This variant has not been reported in the literature in individuals affected with UBQLN2-related conditions. Experimental studies and prediction algorithms are not available or were not evaluated, and the effect of this variant on mRNA splicing is currently unknown. In summary, the available evidence is currently insufficient to determine the role of this variant in disease. Therefore, it has been classified as a Variant of Uncertain Significance.